The following is an entry in ClinVar:

NM_000451.4(SHOX):c.582C>A (p.Cys194Ter)

Gene: SHOX (SHOX homeobox; plus strand). Cytogenetic location: Xp22.33.
Variant type: single nucleotide variant.
Coding change: c.582C>A on transcript NM_000451.4 (MANE Select); coding-DNA position 582, C replaced by A.
Protein change: p.Cys194Ter; replaces cysteine 194 with a stop codon.
Molecular consequence: nonsense.
Genome position (GRCh38, 1-based): chrX:641,036, C>A. VCF-style: chrX-641036-C-A. GRCh37 (hg19) VCF-style: chrX-601771-C-A.
Other names: c.582C>A, p.Cys194Ter (NM_006883.2); c.582C>A (NM_000451.3); short protein forms C194*.
Identifiers: ClinVar variation 2428621 (VCV002428621.4), dbSNP rs1170991098, ClinGen allele CA412231833.

ClinVar aggregate classification (germline): Pathogenic. Review status: criteria provided, multiple submitters, no conflicts (2 of 4 stars). 2 submissions from 2 submitters: Pathogenic (2). Last evaluated 2023-08-25.

Allele frequency attached by ClinVar (database versions not stated): TOPMed below 0.00001.
gnomAD v4.1: 1 of 1,613,854 alleles (0.000062%); highest among the groups gnomAD compares: Non-Finnish European, 0.000085%; no homozygotes.

Submissions (2):

GeneDx
Classification: Pathogenic. Last evaluated: 2023-08-25. Review status: criteria provided, single submitter. Criteria: GeneDx Variant Classification Process June 2021. Collection method: clinical testing. Allele origin: germline. Affected: yes.
Comment: Nonsense variant predicted to result in protein truncation, as the last 99 amino acids are lost, and other loss-of-function variants have been reported downstream in HGMD; Not observed at significant frequency in large population cohorts (gnomAD); This variant is associated with the following publications: (PMID: 25525159, 28948052)

ARUP Laboratories, Molecular Genetics and Genomics, ARUP Laboratories
Classification: Pathogenic. Last evaluated: 2022-04-13. Review status: criteria provided, single submitter. Criteria: ARUP Molecular Germline Variant Investigation Process 2021. Collection method: clinical testing. Allele origin: germline.
Comment: The SHOX c.582C>A; p.Cys194Ter variant is reported to segregate with disease in a family with short stature (Sandberg 2017). This variant is absent from general population databases (Exome Variant Server, Genome Aggregation Database), indicating it is not a common polymorphism. This variant induces an early termination codon and is predicted to result in a truncated protein or mRNA subject to nonsense-mediated decay. Additionally, other variants that introduce a premature termination codon have been described in this region and are considered pathogenic (Gursoy 2020, Joustra 2019). Based on available information, this variant is classified as pathogenic. References: Gursoy S et al. Detection of SHOX Gene Variations in Patients with Skeletal Abnormalities with or without Short Stature. J Clin Res Pediatr Endocrinol. 2020 Nov 25;12(4):358-365. PMID: 32295321. Joustra SD et al. Novel Clinical Criteria Allow Detection of Short Stature Homeobox-Containing Gene Haploinsufficiency Caused by Either Gene or Enhancer Region Defects. Horm Res Paediatr. 2019;92(6):372-381. PMID: 32344414. Sandberg ES et al. Short Stature Homeobox-Containing Haploinsufficiency in Seven Siblings with Short Stature. Case Rep Endocrinol. 2017;2017:7287351. PMID: 28948052.